The following is an entry in ClinVar:

NM_001013838.3(CARMIL2):c.386G>A (p.Arg129Gln)

Gene: CARMIL2 (capping protein regulator and myosin 1 linker 2; plus strand). Cytogenetic location: 16q22.1.
Variant type: single nucleotide variant.
Coding change: c.386G>A on transcript NM_001013838.3 (MANE Select); coding-DNA position 386, G replaced by A.
Protein change: p.Arg129Gln; replaces arginine 129 with glutamine.
Molecular consequence: missense variant.
Genome position (GRCh38, 1-based): chr16:67,646,437, G>A. VCF-style: chr16-67646437-G-A. GRCh37 (hg19) VCF-style: chr16-67680340-G-A.
Other names: c.386G>A, p.Arg129Gln (NM_001317026.3); short protein forms R129Q.
Identifiers: ClinVar variation 1386085 (VCV001386085.6), dbSNP rs757534689, ClinGen allele CA8113053.

ClinVar aggregate classification (germline): Uncertain significance (1 of 4 stars; one submission).

Allele frequency attached by ClinVar (database versions not stated): gnomAD 0.00001; TOPMed 0.00003; ExAC 0.00004; gnomAD exomes 0.00004.

Submission:

Labcorp Genetics (formerly Invitae), Labcorp
Classification: Uncertain significance. Last evaluated: 2022-08-31. Review status: criteria provided, single submitter. Criteria: Invitae Variant Classification Sherloc (09022015). Collection method: clinical testing. Allele origin: germline.
Comment: In summary, the available evidence is currently insufficient to determine the role of this variant in disease. Therefore, it has been classified as a Variant of Uncertain Significance. Algorithms developed to predict the effect of missense changes on protein structure and function (SIFT, PolyPhen-2, Align-GVGD) all suggest that this variant is likely to be tolerated. ClinVar contains an entry for this variant (Variation ID: 1386085). This variant has not been reported in the literature in individuals affected with CARMIL2-related conditions. This variant is present in population databases (rs757534689, gnomAD 0.01%). This sequence change replaces arginine, which is basic and polar, with glutamine, which is neutral and polar, at codon 129 of the CARMIL2 protein (p.Arg129Gln).